The following is an entry in ClinVar:

NM_007227.3(GPR45):c.241A>G (p.Ile81Val)

Gene: GPR45 (G protein-coupled receptor 45; plus strand). Cytogenetic location: 2q12.1.
Variant type: single nucleotide variant.
Coding change: c.241A>G on transcript NM_007227.3 (MANE Select); coding-DNA position 241, A replaced by G.
Protein change: p.Ile81Val; replaces isoleucine 81 with valine.
Molecular consequence: missense variant.
Genome position (GRCh38, 1-based): chr2:105,242,099, A>G. VCF-style: chr2-105242099-A-G. GRCh37 (hg19) VCF-style: chr2-105858556-A-G.
Other names: short protein forms I81V.
Identifiers: ClinVar variation 3643981 (VCV003643981.2).
Genomic context (GRCh38, chr2:105,242,099, plus strand): 5'-CAGAGGCCGGCTATGCGCTCGGCCATCAACCTGCTGCTGGCCACCCTGGCCTTCTCCGAC[A>G]TCATGCTGTCCCTCTGCTGCATGCCCTTCACCGCCGTCACCCTCATCACCGTGCGCTGGC-3'
Protein context (NP_009158.3, residues 71-91): LLLATLAFSD[Ile81Val]MLSLCCMPFT

ClinVar aggregate classification (germline): Uncertain significance (1 of 4 stars; one submission).

Submission:

Labcorp Genetics (formerly Invitae), Labcorp
Classification: Uncertain significance. Last evaluated: 2024-03-01. Review status: criteria provided, single submitter. Criteria: Invitae Variant Classification Sherloc (09022015). Collection method: clinical testing. Allele origin: germline.
Comment: This sequence change replaces isoleucine, which is neutral and non-polar, with valine, which is neutral and non-polar, at codon 81 of the GPR45 protein (p.Ile81Val). This variant is not present in population databases (gnomAD no frequency). This variant has not been reported in the literature in individuals affected with GPR45-related conditions. An algorithm developed to predict the effect of missense changes on protein structure and function (PolyPhen-2) suggests that this variant is likely to be tolerated. In summary, the available evidence is currently insufficient to determine the role of this variant in disease. Therefore, it has been classified as a Variant of Uncertain Significance.